The following is an entry in ClinVar:

NM_007175.8(ERLIN2):c.290C>T (p.Pro97Leu)

Gene: ERLIN2 (ER lipid raft associated 2; plus strand). Cytogenetic location: 8p11.23.
Variant type: single nucleotide variant.
Coding change: c.290C>T on transcript NM_007175.8 (MANE Select); coding-DNA position 290, C replaced by T.
Protein change: p.Pro97Leu; replaces proline 97 with leucine.
Molecular consequence: missense variant.
Genome position (GRCh38, 1-based): chr8:37,744,408, C>T. VCF-style: chr8-37744408-C-T. GRCh37 (hg19) VCF-style: chr8-37601926-C-T.
Other names: c.290C>T, p.Pro97Leu (NM_001003790.4, NM_001003791.3, NM_001362878.2 and 1 more transcripts); short protein forms P97L.
Identifiers: ClinVar variation 3619219 (VCV003619219.2).

ClinVar aggregate classification (germline): Uncertain significance (1 of 4 stars; one submission).

Conditions:
Spastic paraplegia. Identifiers: MedGen C0037772, HP:0001258.

gnomAD v4.1: 8 of 1,613,840 alleles (0.0005%); highest among the groups gnomAD compares: African/African-American, 0.0013%; no homozygotes.

Submission:

Labcorp Genetics (formerly Invitae), Labcorp
Classification: Uncertain significance for Spastic paraplegia. Last evaluated: 2024-10-03. Review status: criteria provided, single submitter. Criteria: Invitae Variant Classification Sherloc (09022015). Collection method: clinical testing. Allele origin: germline.
Comment: This sequence change replaces proline, which is neutral and non-polar, with leucine, which is neutral and non-polar, at codon 97 of the ERLIN2 protein (p.Pro97Leu). This variant is not present in population databases (gnomAD no frequency). This variant has not been reported in the literature in individuals affected with ERLIN2-related conditions. Invitae Evidence Modeling of protein sequence and biophysical properties (such as structural, functional, and spatial information, amino acid conservation, physicochemical variation, residue mobility, and thermodynamic stability) indicates that this missense variant is not expected to disrupt ERLIN2 protein function with a negative predictive value of 80%. In summary, the available evidence is currently insufficient to determine the role of this variant in disease. Therefore, it has been classified as a Variant of Uncertain Significance.